The following is an entry in ClinVar:

NM_000079.4(CHRNA1):c.868G>T (p.Ala290Ser)

Gene: CHRNA1 (cholinergic receptor nicotinic alpha 1 subunit; minus strand). Cytogenetic location: 2q31.1.
Variant type: single nucleotide variant.
Coding change: c.868G>T on transcript NM_000079.4 (MANE Select); coding-DNA position 868, G replaced by T.
Protein change: p.Ala290Ser; replaces alanine 290 with serine.
Molecular consequence: missense variant.
Genome position (GRCh38, 1-based): chr2:174,750,080, C>A on the plus strand (G>T on the coding strand, the complement: CHRNA1 is on the minus strand). VCF-style: chr2-174750080-C-A. GRCh37 (hg19) VCF-style: chr2-175614808-C-A.
Other names: c.943G>T, p.Ala315Ser (NM_001039523.3); short protein forms A290S, A315S.
Identifiers: ClinVar variation 3907332 (VCV003907332.1).

ClinVar aggregate classification (germline): Uncertain significance (1 of 4 stars; one submission).

Submission:

Women's Health and Genetics/Laboratory Corporation of America, LabCorp
Classification: Uncertain significance. Last evaluated: 2025-06-06. Review status: criteria provided, single submitter. Criteria: LabCorp Variant Classification Summary - May 2015. Collection method: clinical testing. Allele origin: germline.
Comment: Variant summary: CHRNA1 c.868G>T (p.Ala290Ser) results in a conservative amino acid change in the encoded protein sequence. Algorithms developed to predict the effect of missense changes on protein structure and function are either unavailable or do not agree on the potential impact of this missense change. The variant was absent in 251422 control chromosomes. The available data on variant occurrences in the general population are insufficient to allow any conclusion about variant significance. To our knowledge, no occurrence of c.868G>T in individuals affected with Myasthenic Syndrome, Slow-Channel Congenital and no experimental evidence demonstrating its impact on protein function have been reported. No submitters have cited clinical-significance assessments for this variant to ClinVar. Based on the evidence outlined above, the variant was classified as uncertain significance.